The following is an entry in ClinVar:

ClinVar aggregate classification (germline): Likely benign (0 of 4 stars; one submission).

Conditions:
PKHD1-related disorder. Also called: PKHD1-related condition.

Submission:

PreventionGenetics, part of Exact Sciences
Classification: Likely benign for PKHD1-related condition. Last evaluated: 2024-08-26. Review status: no assertion criteria provided. Collection method: clinical testing. Allele origin: germline.
Comment: This variant is classified as likely benign based on ACMG/AMP sequence variant interpretation guidelines (Richards et al. 2015 PMID: 25741868, with internal and published modifications).

NM_138694.4(PKHD1):c.11100G>A (p.Gly3700=)

Gene: PKHD1 (PKHD1 ciliary IPT domain containing fibrocystin/polyductin; minus strand). Cytogenetic location: 6p12.3.
Variant type: single nucleotide variant.
Coding change: c.11100G>A on transcript NM_138694.4 (MANE Select); coding-DNA position 11100, G replaced by A.
Protein change: p.Gly3700=; no amino-acid change (glycine 3700 retained).
Molecular consequence: synonymous variant.
Genome position (GRCh38, 1-based): chr6:51,659,026, C>T on the plus strand (G>A on the coding strand, the complement: PKHD1 is on the minus strand). VCF-style: chr6-51659026-C-T. GRCh37 (hg19) VCF-style: chr6-51523824-C-T.
Identifiers: ClinVar variation 3345996 (VCV003345996.1).